The following is an entry in ClinVar:

NM_001382567.1(STIM1):c.1334C>T (p.Pro445Leu)

Gene: STIM1 (stromal interaction molecule 1; plus strand). Cytogenetic location: 11p15.4.
Variant type: single nucleotide variant.
Coding change: c.1334C>T on transcript NM_001382567.1 (MANE Select); coding-DNA position 1334, C replaced by T.
Protein change: p.Pro445Leu; replaces proline 445 with leucine.
Molecular consequence: missense variant. On other transcripts: non-coding transcript variant (2).
Genome position (GRCh38, 1-based): chr11:4,083,358, C>T. VCF-style: chr11-4083358-C-T. GRCh37 (hg19) VCF-style: chr11-4104588-C-T.
Other names: c.1334C>T, p.Pro445Leu (NM_001277961.3, NM_001277962.2, NM_003156.4); c.1112C>T, p.Pro371Leu (NM_001382566.1, NM_001382573.1, NM_001382575.1 and 4 more transcripts); c.1355C>T, p.Pro452Leu (NM_001382568.1); c.1199C>T, p.Pro400Leu (NM_001382569.1); c.1106C>T, p.Pro369Leu (NM_001382570.1); c.854C>T, p.Pro285Leu (NM_001382571.1); c.845C>T, p.Pro282Leu (NM_001382580.1, NM_001382581.1); short protein forms P445L, P282L, P285L, P369L, P371L, P400L, P452L.
Identifiers: ClinVar variation 461719 (VCV000461719.10), dbSNP rs925534511, ClinGen allele CA216529778.

ClinVar aggregate classification (germline): Uncertain significance (1 of 4 stars; one submission).

Conditions:
Combined immunodeficiency due to STIM1 deficiency. Also called: IMMUNODEFICIENCY 10; STIM1 DEFICIENCY. Identifiers: Orphanet 169090, Orphanet 317430, MedGen C2748557, MONDO:0013008, OMIM 612783.
Stormorken syndrome (STRMK). Also called: THROMBOCYTOPATHY, ASPLENIA, AND MIOSIS. Identifiers: Orphanet 3204, MedGen C1861451, MONDO:0008497, OMIM 185070.
Myopathy with tubular aggregates (TAM). Also called: Tubular Aggregate Myopathy. Identifiers: Orphanet 2593, MedGen C0410207, MONDO:0008051.

Allele frequency attached by ClinVar (database versions not stated): TOPMed below 0.00001.

Submission:

Labcorp Genetics (formerly Invitae), Labcorp
Classification: Uncertain significance for Myopathy with tubular aggregates; Combined immunodeficiency due to STIM1 deficiency; Stormorken syndrome. Last evaluated: 2017-04-11. Review status: criteria provided, single submitter. Criteria: Invitae Variant Classification Sherloc (09022015). Collection method: clinical testing. Allele origin: germline.
Comment: This sequence change replaces proline with leucine at codon 445 of the STIM1 protein (p.Pro445Leu). The proline residue is moderately conserved and there is a moderate physicochemical difference between proline and leucine. This variant is not present in population databases (ExAC no frequency) and has not been reported in the literature in individuals with a STIM1-related disease. Algorithms developed to predict the effect of missense changes on protein structure and function do not agree on the potential impact of this missense change (SIFT: "Tolerated"; PolyPhen-2: "Possibly Damaging"; Align-GVGD: "Class C15"). In summary, this variant is a novel missense change with uncertain impact on protein function. It has been classified as a Variant of Uncertain Significance.